The following is an entry in ClinVar:

ClinVar aggregate classification (germline): Likely benign (1 of 4 stars; one submission).

Submission:

CeGaT Center for Human Genetics Tuebingen
Classification: Likely benign. Last evaluated: 2026-09-01. Review status: criteria provided, single submitter. Criteria: CeGaT Center For Human Genetics Tuebingen Variant Classification Criteria Version 2. Collection method: clinical testing. Allele origin: germline. Affected: yes. Observed: 1 variant allele.
Comment: RBFOX1: BP4, BP7

NM_001415887.1(RBFOX1):c.210C>G (p.Pro70=)

Gene: RBFOX1 (RNA binding fox-1 homolog 1; plus strand). Cytogenetic location: 16p13.3.
Variant type: single nucleotide variant.
Coding change: c.210C>G on transcript NM_001415887.1; coding-DNA position 210, C replaced by G.
Protein change: p.Pro70=; no amino-acid change (proline 70 retained).
Molecular consequence: synonymous variant.
Genome position (GRCh38, 1-based): chr16:5,239,976, C>G. VCF-style: chr16-5239976-C-G. GRCh37 (hg19) VCF-style: chr16-5289977-C-G.
Other names: c.210C>G, p.Pro70= (NM_001415888.1).
Identifiers: ClinVar variation 5041025 (VCV005041025.1).
Genomic context (GRCh38, chr16:5,239,976, plus strand): 5'-CACTGGCAAGCCCCGAGGCAGGGATGGCCGGCCCAGGAGGGAGGAGGACGACGTCCCTCC[C>G]GAAGAGAAGAGGCTGCGGCTGGGGCTGGAGGGGGGAAGCGCACAGCCCGAGGACTGCGAG-3'